The following is an entry in ClinVar:

ClinVar aggregate classification (germline): Likely benign. Review status: criteria provided, multiple submitters, no conflicts (2 of 4 stars). 3 submissions from 3 submitters: Likely benign (3). Last evaluated 2026-08-01.

Conditions:
POLD1-related polyposis and colorectal cancer syndrome (CRCS10). Also called: Colorectal cancer, susceptibility to, 10; Colorectal cancer 10; COLORECTAL CANCER, SUSCEPTIBILITY TO, ON CHROMOSOME 19q. Identifiers: Orphanet 220460, MedGen C2675481, MONDO:0012953, OMIM 612591.
Hereditary cancer-predisposing syndrome. Also called: Neoplastic Syndromes, Hereditary; Tumor predisposition; Hereditary Cancer Syndrome; Hereditary neoplastic syndrome. Identifiers: Orphanet 140162, MedGen C0027672, MeSH D009386, MONDO:0015356.

Allele frequency attached by ClinVar (database versions not stated): gnomAD exomes below 0.00001.
gnomAD v4.1: 1 of 1,603,878 alleles (0.000062%); no homozygotes.

Submissions (3):

CeGaT Center for Human Genetics Tuebingen
Classification: Likely benign. Last evaluated: 2026-08-01. Review status: criteria provided, single submitter. Criteria: CeGaT Center For Human Genetics Tuebingen Variant Classification Criteria Version 2. Collection method: clinical testing. Allele origin: germline. Affected: yes. Observed: 1 variant allele.
Comment: POLD1: BP4, BP7

Labcorp Genetics (formerly Invitae), Labcorp
Classification: Likely benign for POLD1-related polyposis and colorectal cancer syndrome. Last evaluated: 2025-06-22. Review status: criteria provided, single submitter. Criteria: Invitae Variant Classification Sherloc (09022015). Collection method: clinical testing. Allele origin: germline.

Ambry Genetics
Classification: Likely benign for Hereditary cancer-predisposing syndrome. Last evaluated: 2025-02-25. Review status: criteria provided, single submitter. Criteria: Ambry Variant Classification Scheme 2023. Collection method: clinical testing. Allele origin: germline.

NM_002691.4(POLD1):c.2373G>A (p.Arg791=)

Gene: POLD1 (DNA polymerase delta 1, catalytic subunit; plus strand). Cytogenetic location: 19q13.33.
Variant type: single nucleotide variant.
Coding change: c.2373G>A on transcript NM_002691.4 (MANE Select); coding-DNA position 2373, G replaced by A.
Protein change: p.Arg791=; no amino-acid change (arginine 791 retained).
Molecular consequence: synonymous variant. On other transcripts: non-coding transcript variant (1).
Genome position (GRCh38, 1-based): chr19:50,413,864, G>A. VCF-style: chr19-50413864-G-A. GRCh37 (hg19) VCF-style: chr19-50917121-G-A.
Other names: c.2373G>A, p.Arg791= (NM_001256849.1); c.2451G>A, p.Arg817= (NM_001308632.1); c.2373G>A (NM_002691.2).
Identifiers: ClinVar variation 2787621 (VCV002787621.5), dbSNP rs1568635856, ClinGen allele CA508305216.